The following is an entry in ClinVar:

ClinVar aggregate classification (germline): Pathogenic. Review status: criteria provided, single submitter (1 of 4 stars). 2 submissions from 2 submitters: Pathogenic (1). 1 of the submissions does not count toward it. Last evaluated 2023-03-29.

Conditions:
Hereditary cancer-predisposing syndrome. Also called: Neoplastic Syndromes, Hereditary; Hereditary Cancer Syndrome; Tumor predisposition; Hereditary neoplastic syndrome. Identifiers: Orphanet 140162, MedGen C0027672, MeSH D009386, MONDO:0015356.
Birt-Hogg-Dube syndrome. Also called: Birt Hogg Dubé syndrome. Identifiers: Orphanet 122, MedGen C0346010, MONDO:0800444.

Submissions (2):

Ambry Genetics
Classification: Pathogenic for Hereditary cancer-predisposing syndrome. Last evaluated: 2023-03-29. Review status: criteria provided, single submitter. Criteria: Ambry Variant Classification Scheme 2023. Collection method: clinical testing. Allele origin: germline.
Comment: The p.Q220* pathogenic mutation (also known as c.658C>T), located in coding exon 4 of the FLCN gene, results from a C to T substitution at nucleotide position 658. This changes the amino acid from a glutamine to a stop codon within coding exon 4. This alteration has been reported in individuals with symptoms that are highly suggestive of Birt-Hogg-Dube syndrome (Liu Y et al. Orphanet J Rare Dis, 2017 May;12:104; Liu K et al. Orphanet J Rare Dis, 2019 Oct;14:223). This variant is considered to be rare based on population cohorts in the Genome Aggregation Database (gnomAD). This alteration is expected to result in loss of function by premature protein truncation or nonsense-mediated mRNA decay. As such, this alteration is interpreted as a disease-causing mutation.

Division of Respiratory Medicine of Juntendo University, Juntendo University Faculty of Medicine and Graduate School of Medicine
Classification: Pathogenic for Birt-Hogg-Dube syndrome 1. Last evaluated: 2023-07-01. Review status: no assertion criteria provided. Collection method: clinical testing. Allele origin: germline. Affected: yes. Not counted in ClinVar's aggregate classification.

Literature cited by the submitters: PubMed 28558743 (cited by Ambry Genetics); PubMed 31615547 (cited by Ambry Genetics).

NM_144997.7(FLCN):c.658C>T (p.Gln220Ter)

Gene: FLCN (folliculin; minus strand). Cytogenetic location: 17p11.2.
Variant type: single nucleotide variant.
Coding change: c.658C>T on transcript NM_144997.7 (MANE Select); coding-DNA position 658, C replaced by T.
Protein change: p.Gln220Ter; replaces glutamine 220 with a stop codon.
Molecular consequence: nonsense.
Genome position (GRCh38, 1-based): chr17:17,222,622, G>A on the plus strand (C>T on the coding strand, the complement: FLCN is on the minus strand). VCF-style: chr17-17222622-G-A. GRCh37 (hg19) VCF-style: chr17-17125936-G-A.
Other names: c.712C>T, p.Gln238Ter (NM_001353229.2); c.658C>T, p.Gln220Ter (NM_001353230.2, NM_001353231.2, NM_144606.7); short protein forms Q220*, Q238*.
Identifiers: ClinVar variation 2566309 (VCV002566309.3), dbSNP rs2544234869, ClinGen allele CA398534071.